The following is an entry in ClinVar:

NM_007254.4(PNKP):c.721_723del (p.Glu241del)

Gene: PNKP (polynucleotide kinase 3'-phosphatase; minus strand). Cytogenetic location: 19q13.33.
Variant type: Deletion.
Coding change: c.721_723del on transcript NM_007254.4 (MANE Select); coding-DNA positions 721 to 723, 3 bases deleted (GAG; older notation c.721_723delGAG).
Protein change: p.Glu241del; deletes glutamic acid 241.
Molecular consequence: inframe deletion.
Genome position (GRCh38, 1-based): chr19:49,863,985-49,863,987, CTC deleted on the plus strand (GAG on the coding strand, the reverse complement: PNKP is on the minus strand); deleting any 3 consecutive bases within chr19:49,863,985-49,863,988 gives the same sequence; the c. name uses the placement nearest the transcript's 3' end. VCF-style (leftmost placement, unchanged base first): chr19-49863984-TCTC-T. GRCh37 (hg19) VCF-style: chr19-50367241-TCTC-T.
Other names: c.721_723del (NM_007254.2); short protein forms E241del.
Identifiers: ClinVar variation 1375534 (VCV001375534.6), dbSNP rs2122334363, ClinGen allele CA2573156626.

ClinVar aggregate classification (germline): Uncertain significance. Review status: criteria provided, multiple submitters, no conflicts (2 of 4 stars). 2 submissions from 2 submitters: Uncertain significance (2). Last evaluated 2025-06-13.

Conditions:
Developmental and epileptic encephalopathy, 12 (DEE12). Identifiers: MedGen C3150988, MONDO:0013389, OMIM 613722.

Submissions (2):

GeneDx
Classification: Uncertain significance. Last evaluated: 2025-06-13. Review status: criteria provided, single submitter. Criteria: GeneDx Variant Classification Process June 2021. Collection method: clinical testing. Allele origin: germline. Affected: yes.
Comment: Not observed at significant frequency in large population cohorts (gnomAD); In-frame deletion of 1 amino acid in a non-repeat region; In silico analysis supports a deleterious effect on protein structure/function; Has not been previously published as pathogenic or benign to our knowledge; This variant is associated with the following publications: (PMID: 22508754)

Labcorp Genetics (formerly Invitae), Labcorp
Classification: Uncertain significance for Developmental and epileptic encephalopathy, 12. Last evaluated: 2021-11-25. Review status: criteria provided, single submitter. Criteria: Invitae Variant Classification Sherloc (09022015). Collection method: clinical testing. Allele origin: germline.
Comment: In summary, the available evidence is currently insufficient to determine the role of this variant in disease. Therefore, it has been classified as a Variant of Uncertain Significance. Experimental studies and prediction algorithms are not available or were not evaluated, and the functional significance of this variant is currently unknown. This variant has not been reported in the literature in individuals affected with PNKP-related conditions. This variant is not present in population databases (gnomAD no frequency). This variant, c.721_723del, results in the deletion of 1 amino acid(s) of the PNKP protein (p.Glu241del), but otherwise preserves the integrity of the reading frame.